The following is an entry in ClinVar:

ClinVar aggregate classification (germline): Pathogenic (1 of 4 stars; one submission).

Submission:

Labcorp Genetics (formerly Invitae), Labcorp
Classification: Pathogenic. Last evaluated: 2023-04-12. Review status: criteria provided, single submitter. Criteria: Invitae Variant Classification Sherloc (09022015). Collection method: clinical testing. Allele origin: germline.
Comment: For these reasons, this variant has been classified as Pathogenic. This premature translational stop signal has been observed in individual(s) with Stargardt disease (PMID: 30060493). This variant is not present in population databases (gnomAD no frequency). This sequence change creates a premature translational stop signal (p.Ile351Leufs*23) in the ABCA4 gene. It is expected to result in an absent or disrupted protein product. Loss-of-function variants in ABCA4 are known to be pathogenic (PMID: 10958761, 24938718, 25312043, 26780318).

Literature cited by the submitters: PubMed 30060493; PubMed 10958761; PubMed 24938718; PubMed 25312043; PubMed 26780318.

NM_000350.3(ABCA4):c.1050del (p.Ile351fs)

Gene: ABCA4 (ATP binding cassette subfamily A member 4; minus strand). Cytogenetic location: 1p22.1.
Variant type: Deletion.
Coding change: c.1050del on transcript NM_000350.3 (MANE Select); coding-DNA position 1050, one base deleted (G; older notation c.1050delG).
Protein change: p.Ile351fs; shifts the reading frame from isoleucine 351.
Molecular consequence: frameshift variant.
Genome position (GRCh38, 1-based): chr1:94,080,527, C deleted on the plus strand (G on the coding strand, the reverse complement: ABCA4 is on the minus strand); the first of 4 consecutive C bases (chr1:94,080,527-94,080,530); deleting any one gives the same sequence. VCF-style (leftmost placement, unchanged base first): chr1-94080526-TC-T. GRCh37 (hg19) VCF-style: chr1-94546082-TC-T.
Other names: c.1047delG, p.Ile351Leufs (NM_001425324.1); short protein forms I351fs.
Identifiers: ClinVar variation 2910121 (VCV002910121.3), dbSNP rs1557795571, ClinGen allele CA916237535.